The following is an entry in ClinVar:

ClinVar aggregate classification (germline): Uncertain significance (1 of 4 stars; one submission).

Conditions:
Polyglandular autoimmune syndrome, type 1 (APS1). Also called: HYPOADRENOCORTICISM WITH HYPOPARATHYROIDISM AND SUPERFICIAL MONILIASIS; AUTOIMMUNE POLYENDOCRINE SYNDROME, TYPE I, WITH OR WITHOUT REVERSIBLE METAPHYSEAL DYSPLASIA; Autoimmune polyendocrine syndrome type 1; Autoimmune polyendocrinopathy syndrome, type I; Autoimmune polyendocrinopathy syndrome , type I, with or without reversible metaphyseal dysplasia; Whitaker syndrome. Identifiers: Orphanet 3453, MedGen C0085859, MONDO:0009411, OMIM 240300.

Allele frequency attached by ClinVar (database versions not stated): gnomAD exomes below 0.00001; ExAC 0.00001; gnomAD 0.00001; TOPMed 0.00001; ESP Exome Variant Server 0.00008.
gnomAD v4.1: 2 of 1,612,320 alleles (0.00012%); highest among the groups gnomAD compares: African/African-American, 0.0027%; no homozygotes.

Submission:

Labcorp Genetics (formerly Invitae), Labcorp
Classification: Uncertain significance for Polyglandular autoimmune syndrome, type 1. Last evaluated: 2022-08-19. Review status: criteria provided, single submitter. Criteria: Invitae Variant Classification Sherloc (09022015). Collection method: clinical testing. Allele origin: germline.
Comment: This sequence change replaces histidine, which is basic and polar, with leucine, which is neutral and non-polar, at codon 507 of the AIRE protein (p.His507Leu). This variant is present in population databases (rs373920616, gnomAD 0.007%). This variant has not been reported in the literature in individuals affected with AIRE-related conditions. ClinVar contains an entry for this variant (Variation ID: 1372946). Algorithms developed to predict the effect of missense changes on protein structure and function are either unavailable or do not agree on the potential impact of this missense change (SIFT: "Deleterious"; PolyPhen-2: "Benign"; Align-GVGD: "Class C15"). In summary, the available evidence is currently insufficient to determine the role of this variant in disease. Therefore, it has been classified as a Variant of Uncertain Significance.

NM_000383.4(AIRE):c.1520A>T (p.His507Leu)

Genes: AIRE (autoimmune regulator; plus strand), LOC130066813 (ATAC-STARR-seq lymphoblastoid silent region 13378; plus strand). Cytogenetic location: 21q22.3.
Variant type: single nucleotide variant.
Coding change: c.1520A>T on transcript NM_000383.4 (MANE Select); coding-DNA position 1520, A replaced by T.
Protein change: p.His507Leu; replaces histidine 507 with leucine.
Molecular consequence: missense variant.
Genome position (GRCh38, 1-based): chr21:44,296,399, A>T. VCF-style: chr21-44296399-A-T. GRCh37 (hg19) VCF-style: chr21-45716282-A-T.
Other names: short protein forms H507L.
Identifiers: ClinVar variation 1372946 (VCV001372946.5), dbSNP rs373920616, ClinGen allele CA10052168.